The following is an entry in ClinVar:

NM_001378183.1(PIEZO2):c.3988A>G (p.Ile1330Val)

Gene: PIEZO2 (piezo type mechanosensitive ion channel component 2; minus strand). Cytogenetic location: 18p11.22.
Variant type: single nucleotide variant.
Coding change: c.3988A>G on transcript NM_001378183.1 (MANE Select); coding-DNA position 3988, A replaced by G.
Protein change: p.Ile1330Val; replaces isoleucine 1330 with valine.
Molecular consequence: missense variant.
Genome position (GRCh38, 1-based): chr18:10,752,815, T>C on the plus strand (A>G on the coding strand, the complement: PIEZO2 is on the minus strand). VCF-style: chr18-10752815-T-C. GRCh37 (hg19) VCF-style: chr18-10752813-T-C.
Other names: c.3988A>G, p.Ile1330Val (NM_001410871.1); c.3913A>G, p.Ile1305Val (NM_022068.4); short protein forms I1305V, I1330V.
Identifiers: ClinVar variation 2579590 (VCV002579590.1), dbSNP rs2510609780, ClinGen allele CA401920002.

ClinVar aggregate classification (germline): Uncertain significance (1 of 4 stars; one submission).

Allele frequency attached by ClinVar (database versions not stated): gnomAD exomes below 0.00001.
gnomAD v4.1: 2 of 1,537,116 alleles (0.00013%); highest among the groups gnomAD compares: Non-Finnish European, 0.00017%; no homozygotes.

Submission:

GeneDx
Classification: Uncertain significance. Last evaluated: 2023-03-06. Review status: criteria provided, single submitter. Criteria: GeneDx Variant Classification Process June 2021. Collection method: clinical testing. Allele origin: germline. Affected: yes.
Comment: Not observed at significant frequency in large population cohorts (gnomAD); In silico analysis supports that this missense variant does not alter protein structure/function; Has not been previously published as pathogenic or benign to our knowledge